The following is an entry in ClinVar:

ClinVar aggregate classification (germline): Likely pathogenic (1 of 4 stars; one submission).

Conditions:
Autosomal recessive limb-girdle muscular dystrophy type 2J (LGMDR10). Also called: Limb-girdle muscular dystrophy, type 2J; MUSCULAR DYSTROPHY, LIMB-GIRDLE, AUTOSOMAL RECESSIVE 10. Identifiers: Orphanet 140922, MedGen C1837342, MONDO:0012127, OMIM 608807.
Dilated cardiomyopathy 1G (CMD1G). Identifiers: Orphanet 154, MedGen C1858763, MONDO:0011400, OMIM 604145.

Submission:

Labcorp Genetics (formerly Invitae), Labcorp
Classification: Likely pathogenic for Dilated cardiomyopathy 1G; Autosomal recessive limb-girdle muscular dystrophy type 2J. Last evaluated: 2025-08-29. Review status: criteria provided, single submitter. Criteria: Invitae Variant Classification Sherloc (09022015). Collection method: clinical testing. Allele origin: germline.
Comment: This sequence change creates a premature translational stop signal (p.Lys23182Profs*44) in the TTN gene. While this is not anticipated to result in nonsense mediated decay, it is expected to create a truncated TTN protein. This variant is not present in population databases (gnomAD no frequency). This variant has not been reported in the literature in individuals affected with TTN-related conditions. This variant is located in the A band of TTN (PMID: 25589632). Truncating variants in this region are significantly overrepresented in patients affected with dilated cardiomyopathy (PMID: 25589632). Truncating variants in this region have also been reported in individuals affected with autosomal recessive centronuclear myopathy (PMID: 23975875). In summary, the currently available evidence indicates that the variant is pathogenic, but additional data are needed to prove that conclusively. Therefore, this variant has been classified as Likely Pathogenic.

Literature cited by the submitters: PubMed 25589632; PubMed 23975875.

NM_001267550.2(TTN):c.69544_69548del (p.Lys23182fs)

Genes: TTN-AS1 (TTN antisense RNA 1; plus strand), TTN (titin; minus strand). Cytogenetic location: 2q31.2.
Variant type: Microsatellite.
Coding change: c.69544_69548del on transcript NM_001267550.2 (MANE Select); coding-DNA positions 69544 to 69548, 5 bases deleted (AAAAG; older notation c.69544_69548delAAAAG).
Protein change: p.Lys23182fs; shifts the reading frame from lysine 23182.
Molecular consequence: frameshift variant.
Genome position (GRCh38, 1-based): chr2:178,576,696-178,576,700, CTTTT deleted on the plus strand (AAAAG on the coding strand, the reverse complement: TTN is on the minus strand); deleting any 5 consecutive bases within chr2:178,576,696-178,576,707 gives the same sequence; the c. name uses the placement nearest the transcript's 3' end. VCF-style (leftmost placement, unchanged base first): chr2-178576695-GCTTTT-G. GRCh37 (hg19) VCF-style: chr2-179441422-GCTTTT-G.
Other names: c.64621_64625del, p.Lys21541fs (NM_001256850.1); c.42349_42353del, p.Lys14117fs (NM_003319.4); c.61840_61844del, p.Lys20614fs (NM_133378.4); c.42724_42728del, p.Lys14242fs (NM_133432.3); c.42925_42929del, p.Lys14309fs (NM_133437.4); short protein forms K14242fs, K20614fs, K14117fs, K14309fs, K21541fs, K23182fs.
Identifiers: ClinVar variation 4785993 (VCV004785993.1).
Genomic context (GRCh38, chr2:178,576,695, plus strand): 5'-TCCTGTTACTTTGCACCTGAGATCGGAAACTGGTGTTTTTATTGCTCTCACCCATCGCAG[GCTTTT>G]CTTTTCTCTCCTTTCTACATGATATCCTGTAATTTCGCTGCCACCATCATCCACTGGCCT-3'